The following is an entry in ClinVar:

NM_000925.4(PDHB):c.716_717del (p.Val239fs)

Gene: PDHB (pyruvate dehydrogenase E1 subunit beta; minus strand). Cytogenetic location: 3p14.3.
Variant type: Microsatellite.
Coding change: c.716_717del on transcript NM_000925.4 (MANE Select); coding-DNA positions 716 to 717, 2 bases deleted (TG; older notation c.716_717delTG).
Protein change: p.Val239fs; shifts the reading frame from valine 239.
Molecular consequence: frameshift variant. On other transcripts: non-coding transcript variant (1).
Genome position (GRCh38, 1-based): chr3:58,429,783-58,429,784, CA deleted on the plus strand (TG on the coding strand, the reverse complement: PDHB is on the minus strand); deleting any 2 consecutive bases within chr3:58,429,783-58,429,786 gives the same sequence; the c. name uses the placement nearest the transcript's 3' end. VCF-style (leftmost placement, unchanged base first): chr3-58429782-CCA-C. GRCh37 (hg19) VCF-style: chr3-58415509-CCA-C.
Other names: c.716_717del (NM_000925.3); c.662_663del, p.Val221fs (NM_001173468.2, NM_001315536.2); short protein forms V221fs, V239fs.
Identifiers: ClinVar variation 2677598 (VCV002677598.6), dbSNP rs772084220, ClinGen allele CA2471474.

ClinVar aggregate classification (germline): Pathogenic/Likely pathogenic. Review status: criteria provided, multiple submitters, no conflicts (2 of 4 stars). 3 submissions from 3 submitters: Pathogenic (1); Likely pathogenic (2). Last evaluated 2024-05-15.

Conditions:
Pyruvate dehydrogenase E1-beta deficiency (PDHBD). Identifiers: Orphanet 255138, Orphanet 765, MedGen C3279841, MONDO:0013580, OMIM 614111.
Pyruvate dehydrogenase phosphatase deficiency (PDHPD). Also called: LACTIC ACIDEMIA WITH PYRUVATE DEHYDROGENASE PHOSPHATASE DEFICIENCY. Identifiers: Orphanet 79246, MedGen C1837429, MONDO:0012120, OMIM 608782.

Submissions (3):

Natera, Inc.
Classification: Likely pathogenic for Pyruvate dehydrogenase phosphatase deficiency. Last evaluated: 2024-05-15. Review status: criteria provided, single submitter. Criteria: Natera Variant Classification Schema (03/2026). Collection method: clinical testing. Allele origin: germline.
Comment: The c.716_717del variant in PDHB is a frameshift variant predicted to shift the reading frame beginning at codon 239 and leads to a stop codon 19 codons downstream. This variant is expected to result in nonsense mediated decay, truncation, or a dysfunctional protein product. This variant is rare in the general population with a frequency below the threshold expected for the associated phenotype(s). Given the available evidence, this variant is classified as Likely Pathogenic.

Baylor Genetics
Classification: Likely pathogenic for Pyruvate dehydrogenase E1-beta deficiency. Last evaluated: 2024-01-16. Review status: criteria provided, single submitter. Criteria: ACMG Guidelines, 2015. Collection method: clinical testing. Allele origin: unknown.

Labcorp Genetics (formerly Invitae), Labcorp
Classification: Pathogenic for Pyruvate dehydrogenase E1-beta deficiency. Last evaluated: 2023-10-16. Review status: criteria provided, single submitter. Criteria: Invitae Variant Classification Sherloc (09022015). Collection method: clinical testing. Allele origin: germline.
Comment: This sequence change creates a premature translational stop signal (p.Val239Glyfs*19) in the PDHB gene. It is expected to result in an absent or disrupted protein product. Loss-of-function variants in PDHB are known to be pathogenic (PMID: 21914562, 25356417). This variant is present in population databases (rs772084220, gnomAD 0.006%). This variant has not been reported in the literature in individuals affected with PDHB-related conditions. For these reasons, this variant has been classified as Pathogenic.

Literature cited by the submitters: PubMed 21914562 (cited by Labcorp Genetics (formerly Invitae), Labcorp); PubMed 25356417 (cited by Labcorp Genetics (formerly Invitae), Labcorp).